The following is an entry in ClinVar:

NM_021999.5(ITM2B):c.306_307insT (p.Pro103fs)

Gene: ITM2B (integral membrane protein 2B; plus strand). Cytogenetic location: 13q14.2.
Variant type: Insertion.
Coding change: c.306_307insT on transcript NM_021999.5 (MANE Select); coding-DNA positions 306 to 307, T inserted.
Protein change: p.Pro103fs; shifts the reading frame from proline 103.
Molecular consequence: frameshift variant.
Genome position: GRCh38 VCF-style: chr13-48256236-G-GT. GRCh37 (hg19) VCF-style: chr13-48830372-G-GT.
Other names: short protein forms P103fs.
Identifiers: ClinVar variation 1952117 (VCV001952117.5), dbSNP rs1490194517, ClinGen allele CA698650649.

ClinVar aggregate classification (germline): Uncertain significance (1 of 4 stars; one submission).

Allele frequency attached by ClinVar (database versions not stated): gnomAD exomes below 0.00001; TOPMed below 0.00001.

Submission:

Labcorp Genetics (formerly Invitae), Labcorp
Classification: Uncertain significance. Last evaluated: 2022-04-09. Review status: criteria provided, single submitter. Criteria: Invitae Variant Classification Sherloc (09022015). Collection method: clinical testing. Allele origin: germline.
Comment: This sequence change creates a premature translational stop signal (p.Pro103Serfs*14) in the ITM2B gene. It is expected to result in an absent or disrupted protein product. However, the current clinical and genetic evidence is not sufficient to establish whether loss-of-function variants in ITM2B cause disease. In summary, the available evidence is currently insufficient to determine the role of this variant in disease. Therefore, it has been classified as a Variant of Uncertain Significance. Algorithms developed to predict the effect of sequence changes on RNA splicing suggest that this variant may create or strengthen a splice site. This variant has not been reported in the literature in individuals affected with ITM2B-related conditions. This variant is not present in population databases (gnomAD no frequency).